The following is an entry in ClinVar:

NM_001278064.2(GRM1):c.823C>T (p.Arg275Cys)

Gene: GRM1 (glutamate metabotropic receptor 1; plus strand). Cytogenetic location: 6q24.3.
Variant type: single nucleotide variant.
Coding change: c.823C>T on transcript NM_001278064.2 (MANE Select); coding-DNA position 823, C replaced by T.
Protein change: p.Arg275Cys; replaces arginine 275 with cysteine.
Molecular consequence: missense variant.
Genome position (GRCh38, 1-based): chr6:146,159,470, C>T. VCF-style: chr6-146159470-C-T. GRCh37 (hg19) VCF-style: chr6-146480606-C-T.
Other names: c.823C>T, p.Arg275Cys (NM_001278065.2, NM_001278066.1, NM_001278067.1); short protein forms R275C.
Identifiers: ClinVar variation 2775901 (VCV002775901.3), dbSNP rs766567009, ClinGen allele CA366190821.

ClinVar aggregate classification (germline): Uncertain significance (1 of 4 stars; one submission).

gnomAD v4.1: 4 of 1,614,200 alleles (0.00025%); highest among the groups gnomAD compares: Non-Finnish European, 0.00034%; no homozygotes.

Submission:

Labcorp Genetics (formerly Invitae), Labcorp
Classification: Uncertain significance. Last evaluated: 2025-02-17. Review status: criteria provided, single submitter. Criteria: Invitae Variant Classification Sherloc (09022015). Collection method: clinical testing. Allele origin: germline.
Comment: This sequence change replaces arginine, which is basic and polar, with cysteine, which is neutral and slightly polar, at codon 275 of the GRM1 protein (p.Arg275Cys). This variant is not present in population databases (gnomAD no frequency). This variant has not been reported in the literature in individuals affected with GRM1-related conditions. ClinVar contains an entry for this variant (Variation ID: 2775901). An algorithm developed to predict the effect of missense changes on protein structure and function (PolyPhen-2) suggests that this variant is likely to be disruptive. In summary, the available evidence is currently insufficient to determine the role of this variant in disease. Therefore, it has been classified as a Variant of Uncertain Significance.